The following is an entry in ClinVar:

ClinVar aggregate classification (germline): Uncertain significance. Review status: criteria provided, multiple submitters, no conflicts (2 of 4 stars). 4 submissions from 4 submitters: Uncertain significance (4). Last evaluated 2023-12-18.

Conditions:
Inborn genetic diseases. Identifiers: MedGen C0950123, MeSH D030342.
Glycogen storage disease type III (GSD3). Also called: FORBES DISEASE; Cori disease. Identifiers: Orphanet 366, MedGen C0017922, MONDO:0009291, OMIM 232400.

gnomAD v4.1: 35 of 1,611,952 alleles (0.0022%); highest among the groups gnomAD compares: Middle Eastern, 0.016%; no homozygotes.

Submissions (4):

Ambry Genetics
Classification: Uncertain significance for Inborn genetic diseases. Last evaluated: 2023-12-18. Review status: criteria provided, single submitter. Criteria: Ambry Variant Classification Scheme 2023. Collection method: clinical testing. Allele origin: germline.

Genome-Nilou Lab
Classification: Uncertain significance for Glycogen storage disease type III. Last evaluated: 2023-04-11. Review status: criteria provided, single submitter. Criteria: ACMG Guidelines, 2015. Collection method: clinical testing. Allele origin: germline. Affected: no.

Fulgent Genetics
Classification: Uncertain significance for Glycogen storage disease type III. Last evaluated: 2021-09-09. Review status: criteria provided, single submitter. Criteria: ACMG Guidelines, 2015. Collection method: clinical testing. Allele origin: unknown.

GeneDx
Classification: Uncertain significance. Last evaluated: 2020-10-22. Review status: criteria provided, single submitter. Criteria: GeneDx Variant Classification Process June 2021. Collection method: clinical testing. Allele origin: germline. Affected: yes.
Comment: Not observed at a significant frequency in large population cohorts (Lek et al., 2016); In silico analysis supports that this missense variant has a deleterious effect on protein structure/function; Has not been previously published as pathogenic or benign to our knowledge

NM_000642.3(AGL):c.895T>G (p.Trp299Gly)

Gene: AGL (amylo-alpha-1,6-glucosidase and 4-alpha-glucanotransferase; plus strand). Cytogenetic location: 1p21.2.
Variant type: single nucleotide variant.
Coding change: c.895T>G on transcript NM_000642.3 (MANE Select); coding-DNA position 895, T replaced by G.
Protein change: p.Trp299Gly; replaces tryptophan 299 with glycine.
Molecular consequence: missense variant.
Genome position (GRCh38, 1-based): chr1:99,870,806, T>G. VCF-style: chr1-99870806-T-G. GRCh37 (hg19) VCF-style: chr1-100336362-T-G.
Other names: c.895T>G, p.Trp299Gly (NM_000643.3, NM_000644.3, NM_001425325.1 and 3 more transcripts); c.847T>G, p.Trp283Gly (NM_000646.3); c.691T>G, p.Trp231Gly (NM_001425328.1, NM_001425329.1); c.517T>G, p.Trp173Gly (NM_001425332.1); short protein forms W283G, W299G, W173G, W231G.
Identifiers: ClinVar variation 1313526 (VCV001313526.5), dbSNP rs773101055, ClinGen allele CA27569188.
Genomic context (GRCh38, chr1:99,870,806, plus strand): 5'-GACATTTTTCAGTCCATCCGAAAAATAATTTGGGAGGATATTTTTCCAAAGCTTAAACTC[T>G]GGGAATTTTTCCAAGTAGATGTCAACAAAGCGGTTGAGCAATTTAGAAGACTTCTTACAC-3'
Protein context (NP_000633.2, residues 289-309): WEDIFPKLKL[Trp299Gly]EFFQVDVNKA